The following is an entry in ClinVar:

NM_000069.3(CACNA1S):c.2209C>G (p.Pro737Ala)

Gene: CACNA1S (calcium voltage-gated channel subunit alpha1 S; minus strand). Cytogenetic location: 1q32.1.
Variant type: single nucleotide variant.
Coding change: c.2209C>G on transcript NM_000069.3 (MANE Select); coding-DNA position 2209, C replaced by G.
Protein change: p.Pro737Ala; replaces proline 737 with alanine.
Molecular consequence: missense variant.
Genome position (GRCh38, 1-based): chr1:201,072,773, G>C on the plus strand (C>G on the coding strand, the complement: CACNA1S is on the minus strand). VCF-style: chr1-201072773-G-C. GRCh37 (hg19) VCF-style: chr1-201041901-G-C.
Other names: short protein forms P737A.
Identifiers: ClinVar variation 3069695 (VCV003069695.1), dbSNP rs1278236348, ClinGen allele CA344111991.

ClinVar aggregate classification (germline): Uncertain significance (1 of 4 stars; one submission).

Conditions:
Malignant hyperthermia, susceptibility to, 5 (MHS5). Also called: CACNA1S-Related Malignant Hyperthermia Susceptibility. Identifiers: Orphanet 423, MedGen C1866077, MONDO:0011163, OMIM 601887.

Submission:

All of Us Research Program, National Institutes of Health
Classification: Uncertain significance for Malignant hyperthermia, susceptibility to, 5. Last evaluated: 2023-02-24. Review status: criteria provided, single submitter. Criteria: ACMG Guidelines, 2015. Collection method: clinical testing. Allele origin: germline. Inheritance: Autosomal dominant inheritance. Observed: 1 variant allele, 1 heterozygote.
Comment: This missense variant replaces proline with alanine at codon 737 of the CACNA1S protein. Computational prediction is inconclusive regarding the impact of this variant on protein structure and function (internally defined REVEL score threshold 0.5 < inconclusive < 0.7, PMID: 27666373). To our knowledge, functional studies have not been reported for this variant. This variant has not been reported in individuals affected with CACNA1S-related disorders in the literature. This variant has not been identified in the general population by the Genome Aggregation Database (gnomAD). The available evidence is insufficient to determine the role of this variant in disease conclusively. Therefore, this variant is classified as a Variant of Uncertain Significance.

This study involves interpretation of variants in research participants for the purpose of population health screening. Participant phenotype was not available at the time of variant classification. Additional details can be found in publication PMID: 35346344, PMCID: PMC8962531